The following is an entry in ClinVar:

ClinVar aggregate classification (germline): Likely benign. Review status: criteria provided, multiple submitters, no conflicts (2 of 4 stars). 2 submissions from 2 submitters: Likely benign (2). Last evaluated 2018-06-15.

Allele frequency attached by ClinVar (database versions not stated): 1000 Genomes Project 30x 0.00328; 1000 Genomes Project 0.00339; TOPMed 0.00850; gnomAD 0.00924 and 0.00934; gnomAD exomes 0.01310.
gnomAD v4.1: 17,654 of 1,398,072 alleles (1.3%); highest among the groups gnomAD compares: Non-Finnish European, 1.5%; 145 homozygotes.

Submissions (2):

GeneDx
Classification: Likely benign. Last evaluated: 2018-06-15. Review status: criteria provided, single submitter. Criteria: GeneDx Variant Classification (06012015). Collection method: clinical testing. Allele origin: germline. Affected: yes.
Comment: This variant is considered likely benign or benign based on one or more of the following criteria: it is a conservative change, it occurs at a poorly conserved position in the protein, it is predicted to be benign by multiple in silico algorithms, and/or has population frequency not consistent with disease.

Breakthrough Genomics
Classification: Likely benign. Review status: criteria provided, single submitter. Criteria: ACMG Guidelines, 2015. Collection method: not provided. Allele origin: germline. Inheritance: Autosomal dominant inheritance. Affected: yes.

NM_000548.5(TSC2):c.226-82C>T

Gene: TSC2 (TSC complex subunit 2; plus strand). Cytogenetic location: 16p13.3.
Variant type: single nucleotide variant.
Coding change: c.226-82C>T on transcript NM_000548.5 (MANE Select); 82 bases into the intron before coding-DNA position 226, C replaced by T.
Molecular consequence: intron variant.
Genome position (GRCh38, 1-based): chr16:2,053,260, C>T. VCF-style: chr16-2053260-C-T. GRCh37 (hg19) VCF-style: chr16-2103261-C-T.
Other names: c.226-82C>T (NM_001114382.3, NM_021055.3, NM_001370405.1 and 3 more transcripts); c.226-1036C>T (NM_001318827.2); c.-2+2774C>T (NM_001318831.2); c.79-82C>T (NM_001318829.2); c.259-82C>T (NM_001318832.2).
Identifiers: ClinVar variation 673418 (VCV000673418.2), dbSNP rs7185742, ClinGen allele CA276770967.
Genomic context (GRCh38, chr16:2,053,260, plus strand): 5'-AGATACGAGCTTTGGAGGTGGGGCTCTCAGTCACAAGCCCCCGTTGTTCCTCCCTGTCCT[C>T]CGCTCACGGCACTGCTCCAGTTGCCGGGGCCAGGGTTCTTGGAGAGCACATCCTCACCGC-3'